The following is an entry in ClinVar:

ClinVar aggregate classification (germline): Uncertain significance (1 of 4 stars; one submission).

Conditions:
Familial thoracic aortic aneurysm and aortic dissection (TAAD). Also called: Thoracic aortic aneurysms and dissections. Identifiers: Orphanet 91387, MedGen C4707243, MONDO:0019625.

Submission:

All of Us Research Program, National Institutes of Health
Classification: Uncertain significance for Familial thoracic aortic aneurysm and aortic dissection. Last evaluated: 2023-10-23. Review status: criteria provided, single submitter. Criteria: ACMG Guidelines, 2015. Collection method: clinical testing. Allele origin: germline. Inheritance: Autosomal dominant inheritance. Observed: 1 variant allele, 1 heterozygote.
Comment: This variant causes a deletion of 1 nucleotide in exon 2 of the MYH11 gene, creating a frameshift and premature translation stop signal. This variant is expected to result in an absent or non-functional protein product. To our knowledge, this variant has not been reported in individuals affected with MYH11-related disorders in the literature. This variant has not been identified in the general population by the Genome Aggregation Database (gnomAD). Clinical relevance of loss-of-function MYH11 truncation variants in autosomal dominant cardiovascular disorders is not clearly established. The available evidence is insufficient to determine the role of this variant in disease conclusively. Therefore, this variant is classified as a Variant of Uncertain Significance.

This study involves interpretation of variants in research participants for the purpose of population health screening. Participant phenotype was not available at the time of variant classification. Additional details can be found in publication PMID: 35346344, PMCID: PMC8962531

NM_002474.3(MYH11):c.131del (p.Gly44fs)

Gene: MYH11 (myosin heavy chain 11; minus strand). Cytogenetic location: 16p13.11.
Variant type: Deletion.
Coding change: c.131del on transcript NM_002474.3 (MANE Select); coding-DNA position 131, one base deleted (G; older notation c.131delG).
Protein change: p.Gly44fs; shifts the reading frame from glycine 44.
Molecular consequence: frameshift variant.
Genome position (GRCh38, 1-based): chr16:15,838,122, C deleted on the plus strand (G on the coding strand, the reverse complement: MYH11 is on the minus strand); the first of 3 consecutive C bases (chr16:15,838,122-15,838,124); deleting any one gives the same sequence. VCF-style (leftmost placement, unchanged base first): chr16-15838121-GC-G. GRCh37 (hg19) VCF-style: chr16-15931978-GC-G.
Other names: c.131del, p.Gly44fs (NM_001040113.2, NM_001040114.2, NM_022844.3); short protein forms G44fs.
Identifiers: ClinVar variation 3074052 (VCV003074052.1), dbSNP rs2507037978, ClinGen allele CA2825002405.